The following is an entry in ClinVar:

NM_006084.5(IRF9):c.320_345del (p.Glu107fs)

Gene: IRF9 (interferon regulatory factor 9; plus strand). Cytogenetic location: 14q12.
Variant type: Deletion.
Coding change: c.320_345del on transcript NM_006084.5 (MANE Select); coding-DNA positions 320 to 345, 26 bases deleted (AGCCCTACAAGGTGTATCAGTTGCTG).
Protein change: p.Glu107fs; shifts the reading frame from glutamic acid 107.
Molecular consequence: frameshift variant.
Genome position (GRCh38, 1-based): chr14:24,163,105-24,163,130, AGCCCTACAAGGTGTATCAGTTGCTG deleted; deleting any 26 consecutive bases within chr14:24,163,098-24,163,130 gives the same sequence; the c. name uses the placement nearest the transcript's 3' end. VCF-style (leftmost placement, unchanged base first): chr14-24163097-TGTTGCTGAGCCCTACAAGGTGTATCA-T. GRCh37 (hg19) VCF-style: chr14-24632306-TGTTGCTGAGCCCTACAAGGTGTATCA-T.
Other names: c.320_345del, p.Glu107fs (NM_001385400.1, NM_001385401.1, NM_001385402.1); short protein forms E107fs.
Identifiers: ClinVar variation 2746926 (VCV002746926.3), dbSNP rs2502039393, ClinGen allele CA2697553830.
Genomic context (GRCh38, chr14:24,163,097, plus strand): 5'-GCGCTGTGCACTCAACAAGAGTTCTGAATTTAAGGAGGTTCCTGAGAGGGGCCGCATGGA[TGTTGCTGAGCCCTACAAGGTGTATCA>T]GTTGCTGCCACCAGGAATCGTCTCTGGTGAGTTTCCCCTTGTCCAACCACTGCTAGACTC-3'

ClinVar aggregate classification (germline): Uncertain significance (1 of 4 stars; one submission).

Submission:

Labcorp Genetics (formerly Invitae), Labcorp
Classification: Uncertain significance. Last evaluated: 2023-12-30. Review status: criteria provided, single submitter. Criteria: Invitae Variant Classification Sherloc (09022015). Collection method: clinical testing. Allele origin: germline.
Comment: This sequence change creates a premature translational stop signal (p.Glu107Alafs*26) in the IRF9 gene. It is expected to result in an absent or disrupted protein product. However, the current clinical and genetic evidence is not sufficient to establish whether loss-of-function variants in IRF9 cause disease. This variant is not present in population databases (gnomAD no frequency). This variant has not been reported in the literature in individuals affected with IRF9-related conditions. In summary, the available evidence is currently insufficient to determine the role of this variant in disease. Therefore, it has been classified as a Variant of Uncertain Significance.